The following is an entry in ClinVar:

NM_206933.4(USH2A):c.12022G>A (p.Asp4008Asn)

Gene: USH2A (usherin; minus strand). Cytogenetic location: 1q41.
Variant type: single nucleotide variant.
Coding change: c.12022G>A on transcript NM_206933.4 (MANE Select); coding-DNA position 12022, G replaced by A.
Protein change: p.Asp4008Asn; replaces aspartic acid 4008 with asparagine.
Molecular consequence: missense variant.
Genome position (GRCh38, 1-based): chr1:215,728,074, C>T on the plus strand (G>A on the coding strand, the complement: USH2A is on the minus strand). VCF-style: chr1-215728074-C-T. GRCh37 (hg19) VCF-style: chr1-215901416-C-T.
Other names: short protein forms D4008N.
Identifiers: ClinVar variation 866357 (VCV000866357.10), dbSNP rs866937010, ClinGen allele CA37395151.

ClinVar aggregate classification (germline): Uncertain significance. Review status: criteria provided, multiple submitters, no conflicts (2 of 4 stars). 4 submissions from 3 submitters: Uncertain significance (4). Last evaluated 2023-11-04.

Conditions:
Usher syndrome type 2A. Also called: RETINAL DISEASE IN USHER SYNDROME TYPE IIA, MODIFIER OF; USHER SYNDROME, TYPE IIA. Identifiers: Orphanet 231178, Orphanet 886, MedGen C1848634, MONDO:0010169, OMIM 276901.
Retinitis pigmentosa 39 (RP39). Identifiers: Orphanet 791, MedGen C3151138, MONDO:0013436, OMIM 613809.

Allele frequency attached by ClinVar (database versions not stated): gnomAD exomes below 0.00001.
gnomAD v4.1: 5 of 1,614,174 alleles (0.00031%); highest among the groups gnomAD compares: Admixed American, 0.0017%; no homozygotes.

Submissions (4):

Genome-Nilou Lab
Classification: Uncertain significance for Retinitis pigmentosa 39. Last evaluated: 2023-11-04. Review status: criteria provided, single submitter. Criteria: ACMG Guidelines, 2015. Collection method: clinical testing. Allele origin: germline. Affected: no.

Genome-Nilou Lab
Classification: Uncertain significance for Usher syndrome type 2A. Last evaluated: 2023-11-04. Review status: criteria provided, single submitter. Criteria: ACMG Guidelines, 2015. Collection method: clinical testing. Allele origin: germline. Affected: no.

Labcorp Genetics (formerly Invitae), Labcorp
Classification: Uncertain significance. Last evaluated: 2022-02-08. Review status: criteria provided, single submitter. Criteria: Invitae Variant Classification Sherloc (09022015). Collection method: clinical testing. Allele origin: germline.
Comment: This sequence change replaces aspartic acid, which is acidic and polar, with asparagine, which is neutral and polar, at codon 4008 of the USH2A protein (p.Asp4008Asn). This variant is present in population databases (no rsID available, gnomAD 0.003%). This variant has not been reported in the literature in individuals affected with USH2A-related conditions. ClinVar contains an entry for this variant (Variation ID: 866357). Algorithms developed to predict the effect of missense changes on protein structure and function are either unavailable or do not agree on the potential impact of this missense change (SIFT: "Deleterious"; PolyPhen-2: "Probably Damaging"; Align-GVGD: "Class C0"). In summary, the available evidence is currently insufficient to determine the role of this variant in disease. Therefore, it has been classified as a Variant of Uncertain Significance.

Blueprint Genetics
Classification: Uncertain significance. Last evaluated: 2019-05-24. Review status: criteria provided, single submitter. Criteria: ACMG Guidelines, 2015. Collection method: clinical testing. Allele origin: germline.